The following is an entry in ClinVar:

NM_000545.8(HNF1A):c.1083_1107+12delinsGCTGG

Gene: HNF1A (HNF1 homeobox A; plus strand). Cytogenetic location: 12q24.31.
Variant type: Indel.
Coding change: c.1083_1107+12delinsGCTGG on transcript NM_000545.8 (MANE Select); coding-DNA position 1083 through 12 bases into the intron after coding-DNA position 1107, the reference bases replaced by GCTGG.
Molecular consequence: splice donor variant.
Genome position (GRCh38, 1-based): chr12:120,996,389-120,996,425, 37 bases replaced. GRCh37 (hg19): chr12:121,434,192-121,434,228.
Other names: c.1083_1107+12delinsGCTGG (NM_001306179.2, NM_001406915.1).
Identifiers: ClinVar variation 3896223 (VCV003896223.2).

ClinVar aggregate classification (germline): Likely pathogenic (1 of 4 stars; one submission).

Conditions:
Maturity-onset diabetes of the young (MODY). Also called: Maturity onset diabetes mellitus in young. Identifiers: Orphanet 552, MedGen C0342276, MONDO:0018911, HP:0004904.

Submission:

Women's Health and Genetics/Laboratory Corporation of America, LabCorp
Classification: Likely pathogenic for Maturity-onset diabetes of the young. Last evaluated: 2025-04-16. Review status: criteria provided, single submitter. Criteria: LabCorp Variant Classification Summary - May 2015. Collection method: clinical testing. Allele origin: germline.
Comment: Variant summary: HNF1A c.1083_1107+12delinsGCTGG spans a canonical splice-site and is predicted to affect mRNA splicing resulting in a significantly altered protein due to either exon skipping, shortening, or inclusion of intronic material. Variants that disrupt the consensus splice site are a relatively common cause of aberrant splicing and loss of HNF1A function. Several computational tools predict a significant impact on normal splicing: Four predict the variant abolishes a canonical 5' splicing donor site. One predicts the variant creates a 5' donor site. However, these predictions have yet to be confirmed by functional studies. The variant was absent in 251422 control chromosomes (gnomAD). To our knowledge, no occurrence of c.1083_1107+12delinsGCTGG in individuals affected with Maturity Onset Diabetes Of The Young 3 and no experimental evidence demonstrating its impact on protein function have been reported. No submitters have cited clinical-significance assessments for this variant to ClinVar. Based on the evidence outlined above, the variant was classified as likely pathogenic.